The following is an entry in ClinVar:

ClinVar aggregate classification (germline): Benign/Likely benign. Review status: criteria provided, multiple submitters, no conflicts (2 of 4 stars). 7 submissions from 7 submitters: Benign (3); Likely benign (4). Last evaluated 2026-06-30.

Conditions:
HNF1A-related disorder. Also called: HNF1A-related condition.
Maturity-onset diabetes of the young (MODY). Also called: Maturity onset diabetes mellitus in young. Identifiers: Orphanet 552, MedGen C0342276, MONDO:0018911, HP:0004904.
Maturity-onset diabetes of the young type 3. Also called: MODY, type III; MODY type 3. Identifiers: Orphanet 552, MedGen C1838100, MeSH C563933, MONDO:0010894, OMIM 600496. Disease mechanism: loss of function.

Allele frequency attached by ClinVar (database versions not stated): gnomAD 0.00001 and 0.00003; TOPMed 0.00001; ExAC 0.00011; gnomAD exomes 0.00011.
gnomAD v4.1: 98 of 1,613,906 alleles (0.0061%); highest among the groups gnomAD compares: South Asian, 0.078%; 1 homozygote.

Submissions (7):

PreventionGenetics, part of Exact Sciences
Classification: Likely benign for HNF1A-related condition. Last evaluated: 2026-06-30. Review status: criteria provided, single submitter. Criteria: ACMG Guidelines, 2015. Collection method: clinical testing. Allele origin: germline.
Comment: This variant is classified as likely benign based on ACMG/AMP sequence variant interpretation guidelines (Richards et al. 2015 PMID: 25741868, with internal and published modifications).

Labcorp Genetics (formerly Invitae), Labcorp
Classification: Likely benign. Last evaluated: 2025-08-31. Review status: criteria provided, single submitter. Criteria: Invitae Variant Classification Sherloc (09022015). Collection method: clinical testing. Allele origin: germline.

Women's Health and Genetics/Laboratory Corporation of America, LabCorp
Classification: Benign. Last evaluated: 2020-10-23. Review status: criteria provided, single submitter. Criteria: LabCorp Variant Classification Summary - May 2015. Collection method: clinical testing. Allele origin: germline.

Athena Diagnostics
Classification: Benign. Last evaluated: 2020-04-20. Review status: criteria provided, single submitter. Criteria: Athena Diagnostics Criteria. Collection method: clinical testing. Allele origin: unknown.

Ambry Genetics
Classification: Likely benign for Maturity-onset diabetes of the young. Last evaluated: 2019-10-23. Review status: criteria provided, single submitter. Criteria: Ambry Variant Classification Scheme 2023. Collection method: clinical testing. Allele origin: germline.

Illumina Laboratory Services, Illumina
Classification: Likely benign for Maturity-onset diabetes of the young type 3. Last evaluated: 2018-01-13. Review status: criteria provided, single submitter. Criteria: ICSL Variant Classification Criteria 13 December 2019. Collection method: clinical testing. Allele origin: germline.
Comment: This variant was observed in the ICSL laboratory as part of a predisposition screen in an ostensibly healthy population. It had not been previously curated by ICSL or reported in the Human Gene Mutation Database (HGMD: prior to June 1st, 2018), and was therefore a candidate for classification through an automated scoring system. Utilizing variant allele frequency, disease prevalence and penetrance estimates, and inheritance mode, an automated score was calculated to assess if this variant is too frequent to cause the disease. Based on the score and internal cut-off values, a variant classified as likely benign is not then subjected to further curation. The score for this variant resulted in a classification of likely benign for this disease.

Clinical Genomics, Uppaluri K&H Personalized Medicine Clinic
Classification: Benign for Maturity-onset diabetes of the young. Review status: criteria provided, single submitter. Criteria: K & H Uppaluri Personalized Medicine Clinic Variant Classification & Assertion Criteria_Updated V.1. Collection method: research. Allele origin: unknown. Inheritance: Autosomal dominant inheritance.
Comment: Mutations in HNF1A gene can predispose to MODY3. It is associated with both micro and macrovascular complications of diabetes, especially cardiovascular complications. Associated with glucosuria. May respond well to sulfonylureas. However, more evidence is required to confer the association of this particular variant rs756416683 with MODY3.

Literature cited by the submitters: PubMed 31517624 (cited by Clinical Genomics, Uppaluri K&H Personalized Medicine Clinic); PubMed 32395877 (cited by Clinical Genomics, Uppaluri K&H Personalized Medicine Clinic); PubMed 35328643 (cited by Clinical Genomics, Uppaluri K&H Personalized Medicine Clinic).

NM_000545.8(HNF1A):c.1800C>T (p.Ser600=)

Genes: C12orf43 (chromosome 12 open reading frame 43; minus strand), HNF1A (HNF1 homeobox A; plus strand). Cytogenetic location: 12q24.31.
Variant type: single nucleotide variant.
Coding change: c.1800C>T on transcript NM_000545.8 (MANE Select); coding-DNA position 1800, C replaced by T.
Protein change: p.Ser600=; no amino-acid change (serine 600 retained).
Molecular consequence: synonymous variant. On other transcripts: 3 prime UTR variant (3).
Genome position (GRCh38, 1-based): chr12:121,001,096, C>T. VCF-style: chr12-121001096-C-T. GRCh37 (hg19) VCF-style: chr12-121438899-C-T.
Other names: c.*3057G>A (NM_001286191.2, NM_001286196.2, NM_022895.3); c.1821C>T, p.Ser607= (NM_001306179.2); c.1608C>T, p.Ser536= (NM_001406915.1).
Identifiers: ClinVar variation 586790 (VCV000586790.17), dbSNP rs756416683, ClinGen allele CA6832199.
Genomic context (GRCh38, chr12:121,001,096, plus strand): 5'-GTGGCTAGCAGCCTTGTTTGCCTCTGCAGTGTCCTCCAGCAGCCTGGTGCTGTACCAGAG[C>T]TCAGACTCCAGCAATGGCCAGAGCCACCTGCTGCCATCCAACCACAGCGTCATCGAGACC-3'
Protein context (NP_000536.6, residues 590-610): VSSSSLVLYQ[Ser600=]SDSSNGQSHL